The following is an entry in ClinVar:

NM_000051.4(ATM):c.1034T>G (p.Leu345Trp)

Gene: ATM (ATM serine/threonine kinase; plus strand). Cytogenetic location: 11q22.3.
Variant type: single nucleotide variant.
Coding change: c.1034T>G on transcript NM_000051.4 (MANE Select); coding-DNA position 1034, T replaced by G.
Protein change: p.Leu345Trp; replaces leucine 345 with tryptophan.
Molecular consequence: missense variant.
Genome position (GRCh38, 1-based): chr11:108,247,096, T>G. VCF-style: chr11-108247096-T-G. GRCh37 (hg19) VCF-style: chr11-108117823-T-G.
Other names: c.1034T>G, p.Leu345Trp (NM_001351834.2); short protein forms L345W.
Identifiers: ClinVar variation 5031274 (VCV005031274.1).

ClinVar aggregate classification (germline): Uncertain significance (1 of 4 stars; one submission).

Conditions:
Hereditary cancer-predisposing syndrome. Also called: Neoplastic Syndromes, Hereditary; Tumor predisposition; Hereditary neoplastic syndrome; Hereditary Cancer Syndrome. Identifiers: Orphanet 140162, MedGen C0027672, MeSH D009386, MONDO:0015356.

Submission:

Ambry Genetics
Classification: Uncertain significance for Hereditary cancer-predisposing syndrome. Last evaluated: 2026-06-22. Review status: criteria provided, single submitter. Criteria: Ambry Variant Classification Scheme 2023. Collection method: clinical testing. Allele origin: germline.
Comment: The p.L345W variant (also known as c.1034T>G), located in coding exon 7 of the ATM gene, results from a T to G substitution at nucleotide position 1034. The leucine at codon 345 is replaced by tryptophan, an amino acid with similar properties. In an assay testing ATM function, this variant showed a functionally normal result (Lee KS et al. Cell, 2025 Sep;188:5081-5099.e27). This amino acid position is highly conserved in available vertebrate species. In addition, this alteration is predicted to be deleterious by in silico analysis. Based on the available evidence, the clinical significance of this variant remains unclear.

Literature cited by the submitters: PubMed 40580951.